The following is an entry in ClinVar:

ClinVar aggregate classification (germline): Benign/Likely benign. Review status: criteria provided, multiple submitters, no conflicts (2 of 4 stars). 2 submissions from 2 submitters: Benign (1); Likely benign (1). Last evaluated 2025-08-11.

Conditions:
Familial adenomatous polyposis 1 (FAP1). Also called: POLYPOSIS, ADENOMATOUS INTESTINAL; FAMILIAL ADENOMATOUS POLYPOSIS 1, ATTENUATED. Identifiers: MedGen C2713442, MONDO:0021056, OMIM 175100. Disease mechanism: loss of function.
Hereditary cancer-predisposing syndrome. Also called: Neoplastic Syndromes, Hereditary; Tumor predisposition; Hereditary neoplastic syndrome; Hereditary Cancer Syndrome. Identifiers: Orphanet 140162, MedGen C0027672, MeSH D009386, MONDO:0015356.

Submissions (2):

Ambry Genetics
Classification: Likely benign for Hereditary cancer-predisposing syndrome. Last evaluated: 2025-08-11. Review status: criteria provided, single submitter. Criteria: Ambry Variant Classification Scheme 2023. Collection method: clinical testing. Allele origin: germline.

Myriad Genetics, Inc.
Classification: Benign for Familial adenomatous polyposis 1. Last evaluated: 2024-02-29. Review status: criteria provided, single submitter. Criteria: Myriad Autosomal Dominant, Autosomal Recessive and X-Linked Classification Criteria (2023). Collection method: clinical testing. Allele origin: unknown.
Comment: This variant is considered benign. This variant is a silent/synonymous amino acid change and it is not expected to impact splicing.

NM_000038.6(APC):c.1059T>A (p.Leu353=)

Gene: APC (APC regulator of Wnt signaling pathway; plus strand). Cytogenetic location: 5q22.2.
Variant type: single nucleotide variant.
Coding change: c.1059T>A on transcript NM_000038.6 (MANE Select); coding-DNA position 1059, T replaced by A.
Protein change: p.Leu353=; no amino-acid change (leucine 353 retained).
Molecular consequence: synonymous variant. On other transcripts: non-coding transcript variant (2), intron variant (15).
Genome position (GRCh38, 1-based): chr5:112,819,091, T>A. VCF-style: chr5-112819091-T-A. GRCh37 (hg19) VCF-style: chr5-112154788-T-A.
Other names: c.1059T>A, p.Leu353= (NM_001127510.3, NM_001354895.2, NM_001354896.2 and 4 more transcripts); c.1005T>A, p.Leu335= (NM_001127511.3); c.1089T>A, p.Leu363= (NM_001354897.2, NM_001407446.1); c.984T>A, p.Leu328= (NM_001354898.2, NM_001407451.1); c.975T>A, p.Leu325= (NM_001354899.2, NM_001407452.1); c.882T>A, p.Leu294= (NM_001354900.2, NM_001354901.2, NM_001407453.1); c.210T>A, p.Leu70= (NM_001354906.2, NM_001407470.1); c.85-178T>A (NM_001407472.1, NM_001407471.1); and 6 more.
Identifiers: ClinVar variation 3148231 (VCV003148231.2), dbSNP rs2149780566, ClinGen allele CA445755810.